The following is an entry in ClinVar:

NM_001042492.3(NF1):c.1186-6C>T

Gene: NF1 (neurofibromin 1; plus strand). Cytogenetic location: 17q11.2.
Variant type: single nucleotide variant.
Coding change: c.1186-6C>T on transcript NM_001042492.3 (MANE Select); 6 bases into the intron before coding-DNA position 1186, C replaced by T.
Molecular consequence: intron variant.
Genome position (GRCh38, 1-based): chr17:31,201,405, C>T. VCF-style: chr17-31201405-C-T. GRCh37 (hg19) VCF-style: chr17-29528423-C-T.
Other names: c.1186-6C>T (NM_000267.4, NM_001128147.3).
Identifiers: ClinVar variation 457522 (VCV000457522.14), dbSNP rs200684215, ClinGen allele CA8485715.
Genomic context (GRCh38, chr17:31,201,405, plus strand): 5'-CTTCATTTGTATTACTGAGTATTTTTCTCATAGAAATAATCTGCTTTTTTTTTTCTTTTT[C>T]TATAGATCTGCCTGGCTCAGAATTCACCTTCTACATTTCACTATGTGCTGGTAAATTCAC-3'

ClinVar aggregate classification (germline): Benign/Likely benign. Review status: criteria provided, multiple submitters, no conflicts (2 of 4 stars). 5 submissions from 5 submitters: Benign (2); Likely benign (3). Last evaluated 2026-05-11.

Conditions:
Hereditary cancer-predisposing syndrome. Also called: Hereditary neoplastic syndrome; Neoplastic Syndromes, Hereditary; Hereditary Cancer Syndrome; Tumor predisposition. Identifiers: Orphanet 140162, MedGen C0027672, MeSH D009386, MONDO:0015356.
Café-au-lait macules with pulmonary stenosis (WTSN). Also called: PULMONIC STENOSIS WITH CAFE-AU-LAIT SPOTS. Identifiers: MedGen C0553586, MONDO:0008672, OMIM 193520.
Neurofibromatosis-Noonan syndrome (NFNS). Also called: NEUROFIBROMATOSIS WITH NOONAN PHENOTYPE. Identifiers: Orphanet 638, MedGen C2931482, MONDO:0011035, OMIM 601321. Disease mechanism: loss of function.
Neurofibromatosis, familial spinal (FSNF). Identifiers: Orphanet 636, MedGen C1834235, MONDO:0008078, OMIM 162210. Disease mechanism: loss of function.
Juvenile myelomonocytic leukemia (JMML). Also called: LEUKEMIA, JUVENILE MYELOMONOCYTIC, SOMATIC. Identifiers: Orphanet 86834, MedGen C0349639, MONDO:0011908, OMIM 607785, HP:0012209.
Neurofibromatosis, type 1 (NF1). Also called: Peripheral type neurofibromatosis; Neurofibromatosis, type I; VON RECKLINGHAUSEN DISEASE; NEUROFIBROMATOSIS, TYPE I, SOMATIC. Identifiers: Orphanet 636, MedGen C0027831, MONDO:0018975, OMIM 162200. Disease mechanism: loss of function.

Submissions (5):

Myriad Genetics, Inc.
Classification: Likely benign for Neurofibromatosis, type 1. Last evaluated: 2026-05-11. Review status: criteria provided, single submitter. Criteria: Myriad Autosomal Dominant, Autosomal Recessive and X-Linked Classification Criteria (2023). Collection method: clinical testing. Allele origin: unknown.
Comment: This variant is considered likely benign. This variant is intronic and is not expected to impact mRNA splicing.

Labcorp Genetics (formerly Invitae), Labcorp
Classification: Likely benign for Neurofibromatosis, type 1. Last evaluated: 2026-01-15. Review status: criteria provided, single submitter. Criteria: Invitae Variant Classification Sherloc (09022015). Collection method: clinical testing. Allele origin: germline.

Fulgent Genetics
Classification: Likely benign for Neurofibromatosis, type 1; Neurofibromatosis, familial spinal; Café-au-lait macules with pulmonary stenosis; Neurofibromatosis-Noonan syndrome; Juvenile myelomonocytic leukemia. Last evaluated: 2022-03-18. Review status: criteria provided, single submitter. Criteria: ACMG Guidelines, 2015. Collection method: clinical testing. Allele origin: unknown.

Genome-Nilou Lab
Classification: Benign for Neurofibromatosis, type 1. Last evaluated: 2022-03-15. Review status: criteria provided, single submitter. Criteria: ACMG Guidelines, 2015. Collection method: clinical testing. Allele origin: germline. Affected: no.

Sema4
Classification: Benign for Hereditary cancer-predisposing syndrome. Last evaluated: 2021-12-27. Review status: criteria provided, single submitter. Criteria: Sema4 Curation Guidelines. Collection method: curation. Allele origin: germline.